The following is an entry in ClinVar:

NM_181486.4(TBX5):c.105dup (p.Ser36fs)

Gene: TBX5 (T-box transcription factor 5; minus strand). Cytogenetic location: 12q24.21.
Variant type: Duplication.
Coding change: c.105dup on transcript NM_181486.4 (MANE Select); coding-DNA position 105, one base duplicated (C; older notation c.105dupC).
Protein change: p.Ser36fs; shifts the reading frame from serine 36.
Molecular consequence: frameshift variant. On other transcripts: intron variant (1).
Genome position (GRCh38, 1-based): chr12:114,403,794, G duplicated on the plus strand (C on the coding strand, the reverse complement: TBX5 is on the minus strand); the first of 5 consecutive G bases (chr12:114,403,794-114,403,798); duplicating any one gives the same sequence. VCF-style (leftmost placement, unchanged base first): chr12-114403793-T-TG. GRCh37 (hg19) VCF-style: chr12-114841598-T-TG.
Other names: c.105dup, p.Ser36fs (NM_000192.3); c.-3-1874dup (NM_080717.4); c.105dupC (NM_000192.3); short protein forms S36fs.
Identifiers: ClinVar variation 870089 (VCV000870089.1), dbSNP rs1057516042, ClinGen allele CA916082355.
Genomic context (GRCh38, chr12:114,403,793, plus strand): 5'-AAGCGCGAGGTCTCCTTACCTGCTGGGTGAAGGCGGCCTGCGGGGACGACGGGGACTTGC[T>TG]GGGGGCCCCGAGCGCGCTCTCGGGTTTCGAATCGCAGGGCAGGTCTTTTGCGTCAGGCTC-3'

ClinVar aggregate classification (germline): Pathogenic (1 of 4 stars; one submission).

Conditions:
Holt-Oram syndrome (HOS). Also called: Ventriculo-radial syndrome; Cardiac-limb syndrome; Heart-hand syndrome, type 1; TBX5-Related Holt-Oram Syndrome. Identifiers: Orphanet 392, MedGen C0265264, MONDO:0007732, OMIM 142900.

Submission:

Agnes Ginges Centre for Molecular Cardiology, Centenary Institute
Classification: Pathogenic for Holt-Oram syndrome. Last evaluated: 2018-02-09. Review status: criteria provided, single submitter. Criteria: ACMG Guidelines, 2015. Collection method: research. Allele origin: germline. Inheritance: Autosomal dominant inheritance. Affected: yes.
Comment: TBX5 Ser36Thrfs*25 has not been previously reported and is absent in the Genome Aggregation Database. TBX5 variants have only ever been associated to Holt-Oram syndrome furthermore, TBX5 loss of function variants are an established mechanism of disease and the variant is very rare in the general population, consequently we classify TBX5 Ser36Thrfs*25 as 'pathogenic'.

Literature cited by the submitters: PubMed 29755943.